The following is an entry in ClinVar:

NM_177986.5(DSG4):c.3023G>A (p.Ser1008Asn)

Genes: DSG4 (desmoglein 4; plus strand), DSG1-AS1 (DSG1 antisense RNA 1; minus strand). Cytogenetic location: 18q12.1.
Variant type: single nucleotide variant.
Coding change: c.3023G>A on transcript NM_177986.5 (MANE Select); coding-DNA position 3023, G replaced by A.
Protein change: p.Ser1008Asn; replaces serine 1008 with asparagine.
Molecular consequence: missense variant.
Genome position (GRCh38, 1-based): chr18:31,413,495, G>A. VCF-style: chr18-31413495-G-A. GRCh37 (hg19) VCF-style: chr18-28993458-G-A.
Other names: c.3080G>A, p.Ser1027Asn (NM_001134453.3); short protein forms S1008N, S1027N.
Identifiers: ClinVar variation 326457 (VCV000326457.16), dbSNP rs151238705, ClinGen allele CA8927459.
Genomic context (GRCh38, chr18:31,413,495, plus strand): 5'-GACCTGTGATGAGCGGCAATATTTTAGTAGGGCCAGAAATTCAAGTGATGCAAATGATGA[G>A]TCCAGACCTTCCCATAGGCCAAACCGTTGGCTCCACATCCCCCATGACATCTCGACACAG-3'
Protein context (NP_817123.1, residues 998-1018): GPEIQVMQMM[Ser1008Asn]PDLPIGQTVG

ClinVar aggregate classification (germline): Conflicting classifications of pathogenicity. Review status: criteria provided, conflicting classifications (1 of 4 stars). 4 submissions from 4 submitters: Uncertain significance (2); Likely benign (1). 1 of the submissions does not count toward it. Last evaluated 2025-09-02.

Conditions:
Inborn genetic diseases. Identifiers: MedGen C0950123, MeSH D030342.
DSG4-related disorder. Also called: DSG4-related condition.
Hypotrichosis 6 (HYPT6). Also called: HYPOTRICHOSIS, LOCALIZED, AUTOSOMAL RECESSIVE 1; MONILETHRIX-LIKE HYPOTRICHOSIS. Identifiers: Orphanet 55654, MedGen C1842839, MONDO:0011932, OMIM 607903.

Allele frequency attached by ClinVar (database versions not stated): gnomAD exomes 0.00019 and 0.00054; ExAC 0.00064; 1000 Genomes Project 0.00180; TOPMed 0.00201; 1000 Genomes Project 30x 0.00219; ESP Exome Variant Server 0.00231.
gnomAD v4.1: 598 of 1,613,794 alleles (0.037%); highest among the groups gnomAD compares: African/African-American, 0.67%; no homozygotes.

Submissions (4):

Labcorp Genetics (formerly Invitae), Labcorp
Classification: Likely benign. Last evaluated: 2025-09-02. Review status: criteria provided, single submitter. Criteria: Invitae Variant Classification Sherloc (09022015). Collection method: clinical testing. Allele origin: germline.

Ambry Genetics
Classification: Uncertain significance for Inborn genetic diseases. Last evaluated: 2021-12-07. Review status: criteria provided, single submitter. Criteria: Ambry Variant Classification Scheme 2023. Collection method: clinical testing. Allele origin: germline.

Illumina Laboratory Services, Illumina
Classification: Uncertain significance for Hypotrichosis 6. Last evaluated: 2018-01-12. Review status: criteria provided, single submitter. Criteria: ICSL Variant Classification Criteria 13 December 2019. Collection method: clinical testing. Allele origin: germline.

PreventionGenetics, part of Exact Sciences
Classification: Likely benign for DSG4-related condition. Last evaluated: 2019-08-28. Review status: no assertion criteria provided. Collection method: clinical testing. Allele origin: germline. Not counted in ClinVar's aggregate classification.
Comment: This variant is classified as likely benign based on ACMG/AMP sequence variant interpretation guidelines (Richards et al. 2015 PMID: 25741868, with internal and published modifications).